The following is an entry in ClinVar:

ClinVar aggregate classification (germline): Uncertain significance (1 of 4 stars; one submission).

Allele frequency attached by ClinVar (database versions not stated): gnomAD exomes below 0.00001 and 0.00001; ESP Exome Variant Server 0.00008.
gnomAD v4.1: 2 of 1,613,936 alleles (0.00012%); highest among the groups gnomAD compares: Admixed American, 0.0017%; no homozygotes.

Submission:

Labcorp Genetics (formerly Invitae), Labcorp
Classification: Uncertain significance. Last evaluated: 2022-10-05. Review status: criteria provided, single submitter. Criteria: Invitae Variant Classification Sherloc (09022015). Collection method: clinical testing. Allele origin: germline.
Comment: This sequence change replaces asparagine, which is neutral and polar, with serine, which is neutral and polar, at codon 821 of the PCDH15 protein (p.Asn821Ser). This variant is present in population databases (rs147831990, gnomAD 0.003%). This variant has not been reported in the literature in individuals affected with PCDH15-related conditions. ClinVar contains an entry for this variant (Variation ID: 1488702). Advanced modeling of protein sequence and biophysical properties (such as structural, functional, and spatial information, amino acid conservation, physicochemical variation, residue mobility, and thermodynamic stability) performed at Invitae indicates that this missense variant is not expected to disrupt PCDH15 protein function. Algorithms developed to predict the effect of sequence changes on RNA splicing suggest that this variant may create or strengthen a splice site. In summary, the available evidence is currently insufficient to determine the role of this variant in disease. Therefore, it has been classified as a Variant of Uncertain Significance.

NM_001384140.1(PCDH15):c.2462A>G (p.Asn821Ser)

Gene: PCDH15 (protocadherin related 15; minus strand). Cytogenetic location: 10q21.1.
Variant type: single nucleotide variant.
Coding change: c.2462A>G on transcript NM_001384140.1 (MANE Select); coding-DNA position 2462, A replaced by G.
Protein change: p.Asn821Ser; replaces asparagine 821 with serine.
Molecular consequence: missense variant.
Genome position (GRCh38, 1-based): chr10:54,022,956, T>C on the plus strand (A>G on the coding strand, the complement: PCDH15 is on the minus strand). VCF-style: chr10-54022956-T-C. GRCh37 (hg19) VCF-style: chr10-55782716-T-C.
Other names: c.2477A>G, p.Asn826Ser (NM_001142763.2, NM_001142771.2); c.2462A>G, p.Asn821Ser (NM_001142764.2, NM_001142766.2, NM_001142770.3 and 5 more transcripts); c.2249A>G, p.Asn750Ser (NM_001142765.2); c.2351A>G, p.Asn784Ser (NM_001142767.2); c.2396A>G, p.Asn799Ser (NM_001142768.2, NM_001142773.2, NM_001354404.2); c.2498A>G, p.Asn833Ser (NM_001142769.4); c.2483A>G, p.Asn828Ser (NM_001354411.2); short protein forms N784S, N799S, N821S, N833S, N828S, N750S, N826S.
Identifiers: ClinVar variation 1488702 (VCV001488702.5), dbSNP rs147831990, ClinGen allele CA207201506.